The following is an entry in ClinVar:

ClinVar aggregate classification (germline): Uncertain significance (1 of 4 stars; one submission).

Conditions:
Charcot-Marie-Tooth disease type 2. Also called: Charcot-Marie-Tooth type 2. Identifiers: Orphanet 64746, MedGen C0270914, MONDO:0018993.

Submission:

Labcorp Genetics (formerly Invitae), Labcorp
Classification: Uncertain significance for Charcot-Marie-Tooth disease type 2. Last evaluated: 2024-01-21. Review status: criteria provided, single submitter. Criteria: Invitae Variant Classification Sherloc (09022015). Collection method: clinical testing. Allele origin: germline.
Comment: This sequence change replaces methionine, which is neutral and non-polar, with threonine, which is neutral and polar, at codon 478 of the MFN2 protein (p.Met478Thr). This variant is not present in population databases (gnomAD no frequency). This variant has not been reported in the literature in individuals affected with MFN2-related conditions. Advanced modeling of protein sequence and biophysical properties (such as structural, functional, and spatial information, amino acid conservation, physicochemical variation, residue mobility, and thermodynamic stability) has been performed at Invitae for this missense variant, however the output from this modeling did not meet the statistical confidence thresholds required to predict the impact of this variant on MFN2 protein function. In summary, the available evidence is currently insufficient to determine the role of this variant in disease. Therefore, it has been classified as a Variant of Uncertain Significance.

NM_014874.4(MFN2):c.1433T>C (p.Met478Thr)

Gene: MFN2 (mitofusin 2; plus strand). Cytogenetic location: 1p36.22.
Variant type: single nucleotide variant.
Coding change: c.1433T>C on transcript NM_014874.4 (MANE Select); coding-DNA position 1433, T replaced by C.
Protein change: p.Met478Thr; replaces methionine 478 with threonine.
Molecular consequence: missense variant.
Genome position (GRCh38, 1-based): chr1:12,004,865, T>C. VCF-style: chr1-12004865-T-C. GRCh37 (hg19) VCF-style: chr1-12064922-T-C.
Other names: c.1433T>C, p.Met478Thr (NM_001127660.2); short protein forms M478T.
Identifiers: ClinVar variation 2710565 (VCV002710565.3), dbSNP rs2523080238, ClinGen allele CA338446718.